The following is an entry in ClinVar:

ClinVar aggregate classification (germline): Uncertain significance (1 of 4 stars; one submission).

Conditions:
Joubert syndrome. Also called: CEREBELLOPARENCHYMAL DISORDER IV; JOUBERT-BOLTSHAUSER SYNDROME; Familial aplasia of the vermis. Identifiers: Orphanet 475, MedGen C5979921, MONDO:0018772.
Meckel-Gruber syndrome. Also called: DYSENCEPHALIA SPLANCHNOCYSTICA; GRUBER SYNDROME; Dysencephalia splachnocystica. Identifiers: Orphanet 564, MedGen C0265215, MONDO:0018921.

Submission:

Labcorp Genetics (formerly Invitae), Labcorp
Classification: Uncertain significance for Joubert syndrome; Meckel-Gruber syndrome. Last evaluated: 2022-05-17. Review status: criteria provided, single submitter. Criteria: Invitae Variant Classification Sherloc (09022015). Collection method: clinical testing. Allele origin: germline.
Comment: Algorithms developed to predict the effect of missense changes on protein structure and function output the following: SIFT: "Tolerated"; PolyPhen-2: "Benign"; Align-GVGD: "Class C0". The alanine amino acid residue is found in multiple mammalian species, which suggests that this missense change does not adversely affect protein function. This variant has not been reported in the literature in individuals affected with RPGRIP1L-related conditions. This variant is not present in population databases (gnomAD no frequency). This sequence change replaces glutamic acid, which is acidic and polar, with alanine, which is neutral and non-polar, at codon 987 of the RPGRIP1L protein (p.Glu987Ala). In summary, the available evidence is currently insufficient to determine the role of this variant in disease. Therefore, it has been classified as a Variant of Uncertain Significance.

NM_015272.5(RPGRIP1L):c.2960A>C (p.Glu987Ala)

Gene: RPGRIP1L (RPGRIP1 like; minus strand). Cytogenetic location: 16q12.2.
Variant type: single nucleotide variant.
Coding change: c.2960A>C on transcript NM_015272.5 (MANE Select); coding-DNA position 2960, A replaced by C.
Protein change: p.Glu987Ala; replaces glutamic acid 987 with alanine.
Molecular consequence: missense variant. On other transcripts: intron variant (2).
Genome position (GRCh38, 1-based): chr16:53,638,410, T>G on the plus strand (A>C on the coding strand, the complement: RPGRIP1L is on the minus strand). VCF-style: chr16-53638410-T-G. GRCh37 (hg19) VCF-style: chr16-53672322-T-G.
Other names: c.2960A>C, p.Glu987Ala (NM_001308334.3); c.2959-556A>C (NM_001127897.4, NM_001330538.2); short protein forms E987A.
Identifiers: ClinVar variation 1995641 (VCV001995641.4), dbSNP rs2544002484, ClinGen allele CA395926704.